The following is an entry in ClinVar:

ClinVar aggregate classification (germline): Pathogenic (1 of 4 stars; one submission).

Conditions:
Usher syndrome type 2A. Also called: RETINAL DISEASE IN USHER SYNDROME TYPE IIA, MODIFIER OF; USHER SYNDROME, TYPE IIA. Identifiers: Orphanet 231178, Orphanet 886, MedGen C1848634, MONDO:0010169, OMIM 276901.

Submission:

Institute of Rare Diseases, West China Hospital, Sichuan University
Classification: Pathogenic for Usher syndrome type 2A. Last evaluated: 2025-01-09. Review status: criteria provided, single submitter. Criteria: ClinGen HL ACMG Specifications v1. Collection method: research. Allele origin: germline. Affected: yes.
Comment: PVS1;PM3;PP4;PM2_Supporting

NM_206933.4(USH2A):c.14171del (p.Ser4724fs)

Gene: USH2A (usherin; minus strand). Cytogenetic location: 1q41.
Variant type: Deletion.
Coding change: c.14171del on transcript NM_206933.4 (MANE Select); coding-DNA position 14171, one base deleted (G; older notation c.14171delG).
Protein change: p.Ser4724fs; shifts the reading frame from serine 4724.
Molecular consequence: frameshift variant.
Genome position (GRCh38, 1-based): chr1:215,650,764, C deleted on the plus strand (G on the coding strand, the reverse complement: USH2A is on the minus strand). VCF-style (leftmost placement, unchanged base first): chr1-215650763-GC-G. GRCh37 (hg19) VCF-style: chr1-215824105-GC-G.
Other names: short protein forms S4724fs.
Identifiers: ClinVar variation 3601033 (VCV003601033.1).